The following is an entry in ClinVar:

ClinVar aggregate classification (germline): Uncertain significance (1 of 4 stars; one submission).

Conditions:
PCNT-related disorder. Also called: PCNT-related condition.

gnomAD v4.1: 1 of 1,613,646 alleles (0.000062%); highest among the groups gnomAD compares: South Asian, 0.0011%; no homozygotes.

Submission:

PreventionGenetics, part of Exact Sciences
Classification: Uncertain significance for PCNT-related condition. Last evaluated: 2026-04-05. Review status: criteria provided, single submitter. Criteria: ACMG Guidelines, 2015. Collection method: clinical testing. Allele origin: germline.
Comment: The PCNT c.3827A>G variant is predicted to result in the amino acid substitution p.Asp1276Gly. To our knowledge, this variant has not been reported in the literature or in a large population database (gnomAD), indicating this variant is rare. At this time, the clinical significance of this variant is uncertain due to the absence of conclusive functional and genetic evidence.

NM_006031.6(PCNT):c.3827A>G (p.Asp1276Gly)

Gene: PCNT (pericentrin; plus strand). Cytogenetic location: 21q22.3.
Variant type: single nucleotide variant.
Coding change: c.3827A>G on transcript NM_006031.6 (MANE Select); coding-DNA position 3827, A replaced by G.
Protein change: p.Asp1276Gly; replaces aspartic acid 1276 with glycine.
Molecular consequence: missense variant.
Genome position (GRCh38, 1-based): chr21:46,389,418, A>G. VCF-style: chr21-46389418-A-G. GRCh37 (hg19) VCF-style: chr21-47809333-A-G.
Other names: c.3473A>G, p.Asp1158Gly (NM_001315529.2); short protein forms D1276G, D1158G.
Identifiers: ClinVar variation 4992568 (VCV004992568.1).